The following is an entry in ClinVar:

NM_020911.2(PLXNA4):c.1420C>A (p.Gln474Lys)

Gene: PLXNA4 (plexin A4; minus strand). Cytogenetic location: 7q32.3.
Variant type: single nucleotide variant.
Coding change: c.1420C>A on transcript NM_020911.2 (MANE Select); coding-DNA position 1420, C replaced by A.
Protein change: p.Gln474Lys; replaces glutamine 474 with lysine.
Molecular consequence: missense variant.
Genome position (GRCh38, 1-based): chr7:132,298,174, G>T on the plus strand (C>A on the coding strand, the complement: PLXNA4 is on the minus strand). VCF-style: chr7-132298174-G-T. GRCh37 (hg19) VCF-style: chr7-131982933-G-T.
Other names: c.1420C>A, p.Gln474Lys (NM_001393897.1); short protein forms Q474K.
Identifiers: ClinVar variation 3032177 (VCV003032177.3), dbSNP rs777743560, ClinGen allele CA4490154.

ClinVar aggregate classification (germline): Uncertain significance. Review status: criteria provided, single submitter (1 of 4 stars). 2 submissions from 2 submitters: Uncertain significance (1). 1 of the submissions does not count toward it. Last evaluated 2025-12-22.

Conditions:
PLXNA4-related disorder. Also called: PLXNA4-related condition.

Allele frequency attached by ClinVar (database versions not stated): gnomAD 0.00001; TOPMed 0.00001.
gnomAD v4.1: 22 of 1,614,074 alleles (0.0014%); highest among the groups gnomAD compares: Admixed American, 0.035%; 1 homozygote.

Submissions (2):

Ambry Genetics
Classification: Uncertain significance. Last evaluated: 2025-12-22. Review status: criteria provided, single submitter. Criteria: Ambry Variant Classification Scheme 2023. Collection method: clinical testing. Allele origin: germline.

PreventionGenetics, part of Exact Sciences
Classification: Uncertain significance for PLXNA4-related condition. Last evaluated: 2024-02-21. Review status: no assertion criteria provided. Collection method: clinical testing. Allele origin: germline. Not counted in ClinVar's aggregate classification.
Comment: The PLXNA4 c.1420C>A variant is predicted to result in the amino acid substitution p.Gln474Lys. To our knowledge, this variant has not been reported in the literature. This variant is reported in 0.057% of alleles in individuals of Latino descent in gnomAD, which is likely too common for an undocumented disease-causing variant. Although we suspect that this variant may be benign, at this time, the clinical significance of this variant is uncertain due to the absence of conclusive functional and genetic evidence.